The following is an entry in ClinVar:

ClinVar aggregate classification (germline): Uncertain significance. Review status: criteria provided, multiple submitters, no conflicts (2 of 4 stars). 2 submissions from 2 submitters: Uncertain significance (2). Last evaluated 2025-11-13.

Conditions:
Type 2 diabetes mellitus. Also called: Type II diabetes mellitus. Identifiers: MedGen C0011860, MeSH D003924, MONDO:0005148, OMIM 125853, HP:0005978.
Hypoinsulinemic hypoglycemia and body hemihypertrophy. Also called: Hypoinsulinemic hypoglycemia and hemihypertrophy. Identifiers: Orphanet 293964, MedGen C3278384, MONDO:0009416, OMIM 240900.

gnomAD v4.1: 92 of 1,609,486 alleles (0.0057%); highest among the groups gnomAD compares: Middle Eastern, 0.033%; no homozygotes.

Submissions (2):

Clinical Genomics Laboratory, Washington University in St. Louis
Classification: Uncertain significance for Hypoinsulinemic hypoglycemia and body hemihypertrophy. Last evaluated: 2025-11-13. Review status: criteria provided, single submitter. Criteria: ACMG Guidelines, 2015. Collection method: clinical testing. Allele origin: germline.
Comment: An AKT2 c.758G>A (p.Arg253Gln) variant was identified at a near heterozygous allelic fraction of 46.9%, a frequency that may be consistent with it being of germline origin. The AKT2 c.758G>A (p.Arg253Gln) variant, to our knowledge, has not been reported in the medical literature. This variant has been reported in the ClinVar database as a germline variant of uncertain significance by one submitter (ClinVar Variation ID: 3758614) and is observed on 92/1,609,486 alleles in the general population (gnomAD v4.1.0). Computational predictors are uncertain as to the impact of this variant on AKT2 function. Due to limited information, and based on ACMG/AMP guidelines for variant interpretation (Richards S et al., PMID: 25741868), the clinical significance of this variant is uncertain at this time.

Labcorp Genetics (formerly Invitae), Labcorp
Classification: Uncertain significance for Hypoinsulinemic hypoglycemia and body hemihypertrophy; Type 2 diabetes mellitus. Last evaluated: 2025-01-13. Review status: criteria provided, single submitter. Criteria: Invitae Variant Classification Sherloc (09022015). Collection method: clinical testing. Allele origin: germline.
Comment: This sequence change replaces arginine, which is basic and polar, with glutamine, which is neutral and polar, at codon 253 of the AKT2 protein (p.Arg253Gln). This variant is present in population databases (rs145907048, gnomAD 0.005%). This variant has not been reported in the literature in individuals affected with AKT2-related conditions. An algorithm developed to predict the effect of missense changes on protein structure and function (PolyPhen-2) suggests that this variant is likely to be tolerated. In summary, the available evidence is currently insufficient to determine the role of this variant in disease. Therefore, it has been classified as a Variant of Uncertain Significance.

NM_001626.6(AKT2):c.758G>A (p.Arg253Gln)

Gene: AKT2 (AKT serine/threonine kinase 2; minus strand). Cytogenetic location: 19q13.2.
Variant type: single nucleotide variant.
Coding change: c.758G>A on transcript NM_001626.6 (MANE Select); coding-DNA position 758, G replaced by A.
Protein change: p.Arg253Gln; replaces arginine 253 with glutamine.
Molecular consequence: missense variant.
Genome position (GRCh38, 1-based): chr19:40,238,042, C>T on the plus strand (G>A on the coding strand, the complement: AKT2 is on the minus strand). VCF-style: chr19-40238042-C-T. GRCh37 (hg19) VCF-style: chr19-40743949-C-T.
Other names: c.572G>A, p.Arg191Gln (NM_001243027.3, NM_001243028.3); c.758G>A, p.Arg253Gln (NM_001330511.1); short protein forms R191Q, R253Q.
Identifiers: ClinVar variation 3758614 (VCV003758614.3).